The following is an entry in ClinVar:

NM_018646.6(TRPV6):c.1267G>A (p.Asp423Asn)

Gene: TRPV6 (transient receptor potential cation channel subfamily V member 6; minus strand). Cytogenetic location: 7q34.
Variant type: single nucleotide variant.
Coding change: c.1267G>A on transcript NM_018646.6 (MANE Select); coding-DNA position 1267, G replaced by A.
Protein change: p.Asp423Asn; replaces aspartic acid 423 with asparagine.
Molecular consequence: missense variant.
Genome position (GRCh38, 1-based): chr7:142,875,140, C>T on the plus strand (G>A on the coding strand, the complement: TRPV6 is on the minus strand). VCF-style: chr7-142875140-C-T. GRCh37 (hg19) VCF-style: chr7-142572893-C-T.
Other names: c.1267G>A (NM_018646.5); short protein forms D423N.
Identifiers: ClinVar variation 3811184 (VCV003811184.2).

ClinVar aggregate classification (germline): Uncertain significance. Review status: criteria provided, multiple submitters, no conflicts (2 of 4 stars). 2 submissions from 2 submitters: Uncertain significance (2). Last evaluated 2026-09-26.

Conditions:
Inborn genetic diseases. Identifiers: MedGen C0950123, MeSH D030342.
TRPV6-related disorder. Also called: TRPV6-related condition.

gnomAD v4.1: 41 of 1,614,004 alleles (0.0025%); highest among the groups gnomAD compares: Admixed American, 0.012%; no homozygotes.

Submissions (2):

PreventionGenetics, part of Exact Sciences
Classification: Uncertain significance for TRPV6-related condition. Last evaluated: 2026-09-26. Review status: criteria provided, single submitter. Criteria: ACMG Guidelines, 2015. Collection method: clinical testing. Allele origin: germline.
Comment: The TRPV6 c.1267G>A variant is predicted to result in the amino acid substitution p.Asp423Asn. To our knowledge, this variant has not been reported in the literature. This variant is reported in 0.0062% of alleles in individuals of African descent in gnomAD. At this time, the clinical significance of this variant is uncertain due to the absence of conclusive functional and genetic evidence.

Ambry Genetics
Classification: Uncertain significance for Inborn genetic diseases. Last evaluated: 2025-01-18. Review status: criteria provided, single submitter. Criteria: Ambry Variant Classification Scheme 2023. Collection method: clinical testing. Allele origin: germline.